The following is an entry in ClinVar:

NM_032608.7(MYO18B):c.4461dup (p.Leu1488fs)

Genes: MYO18B (myosin XVIIIB; plus strand), MYO18B-AS1 (MYO18B antisense RNA 1; minus strand). Cytogenetic location: 22q12.1.
Variant type: Duplication.
Coding change: c.4461dup on transcript NM_032608.7 (MANE Select); coding-DNA position 4461, one base duplicated (A; older notation c.4461dupA).
Protein change: p.Leu1488fs; shifts the reading frame from leucine 1488.
Molecular consequence: frameshift variant.
Genome position (GRCh38, 1-based): chr22:25,891,330, A duplicated; the last of 6 consecutive A bases (chr22:25,891,325-25,891,330); duplicating any one gives the same sequence. VCF-style (leftmost placement, unchanged base first): chr22-25891324-G-GA. GRCh37 (hg19) VCF-style: chr22-26287291-G-GA.
Other names: c.4464dup, p.Leu1489fs (NM_001318245.2); short protein forms L1489fs, L1488fs.
Identifiers: ClinVar variation 4743019 (VCV004743019.1), dbSNP rs753392428.

ClinVar aggregate classification (germline): Pathogenic (1 of 4 stars; one submission).

Submission:

Labcorp Genetics (formerly Invitae), Labcorp
Classification: Pathogenic. Last evaluated: 2025-04-28. Review status: criteria provided, single submitter. Criteria: Invitae Variant Classification Sherloc (09022015). Collection method: clinical testing. Allele origin: germline.
Comment: This sequence change creates a premature translational stop signal (p.Leu1488Thrfs*6) in the MYO18B gene. It is expected to result in an absent or disrupted protein product. Loss-of-function variants in MYO18B are known to be pathogenic (PMID: 25748484, 32184166, 32637634). The frequency data for this variant in the population databases is considered unreliable, as metrics indicate poor data quality at this position in the gnomAD database. This variant has not been reported in the literature in individuals affected with MYO18B-related conditions. For these reasons, this variant has been classified as Pathogenic.

Literature cited by the submitters: PubMed 25748484; PubMed 32184166; PubMed 32637634.